The following is an entry in ClinVar:

ClinVar aggregate classification (germline): Benign. Review status: criteria provided, multiple submitters, no conflicts (2 of 4 stars). 3 submissions from 3 submitters: Benign (3). Last evaluated 2021-07-01.

Conditions:
Propionic acidemia (PROP). Also called: GLYCINEMIA, KETOTIC; HYPERGLYCINEMIA WITH KETOACIDOSIS AND LEUKOPENIA; KETOTIC HYPERGLYCINEMIA. Identifiers: Orphanet 35, MedGen C0268579, MONDO:0011628, OMIM 606054, HP:0003571.

Allele frequency attached by ClinVar (database versions not stated): 1000 Genomes Project 0.12680; 1000 Genomes Project 30x 0.13367; gnomAD exomes 0.15604; gnomAD 0.16691 and 0.16939; TOPMed 0.17240.
gnomAD v4.1: 139,972 of 886,100 alleles (16%); highest among the groups gnomAD compares: Middle Eastern, 20%; 12,208 homozygotes.

Submissions (3):

Pars Genome Lab
Classification: Benign for Propionic acidemia. Last evaluated: 2021-07-01. Review status: criteria provided, single submitter. Criteria: ACMG Guidelines, 2015. Collection method: clinical testing. Allele origin: germline. Affected: no.

GeneDx
Classification: Benign. Last evaluated: 2018-06-14. Review status: criteria provided, single submitter. Criteria: GeneDx Variant Classification (06012015). Collection method: clinical testing. Allele origin: germline. Affected: yes.
Comment: This variant is considered likely benign or benign based on one or more of the following criteria: it is a conservative change, it occurs at a poorly conserved position in the protein, it is predicted to be benign by multiple in silico algorithms, and/or has population frequency not consistent with disease.

Breakthrough Genomics
Classification: Benign. Review status: criteria provided, single submitter. Criteria: ACMG Guidelines, 2015. Collection method: not provided. Allele origin: germline. Inheritance: Autosomal recessive inheritance. Affected: yes.

NM_000282.4(PCCA):c.414+88A>G

Gene: PCCA (propionyl-CoA carboxylase subunit alpha; plus strand). Cytogenetic location: 13q32.3.
Variant type: single nucleotide variant.
Coding change: c.414+88A>G on transcript NM_000282.4 (MANE Select); 88 bases into the intron after coding-DNA position 414, A replaced by G.
Molecular consequence: intron variant.
Genome position (GRCh38, 1-based): chr13:100,155,180, A>G. VCF-style: chr13-100155180-A-G. GRCh37 (hg19) VCF-style: chr13-100807434-A-G.
Other names: c.414+88A>G (NM_001178004.2, NM_001352605.2, NM_001352606.2 and 1 more transcripts); c.-453+88A>G (NM_001352610.2, NM_001352611.2, NM_001352612.2); c.336+88A>G (NM_001127692.3, NM_001352607.2, NM_001352608.2).
Identifiers: ClinVar variation 676222 (VCV000676222.4), dbSNP rs9585365, ClinGen allele CA13798596.
Genomic context (GRCh38, chr13:100,155,180, plus strand): 5'-AGCTGTTTCATATGTAGTGAGCAGAAAGCTAGAGTTTGTATTTAAAAAAAAAAATAGGAA[A>G]GAATGATTGAAAATGCTGTTGCAGTTAGTTCATGTCACATGAGTTAAATGTGGTCGAATT-3'